The following is an entry in ClinVar:

NM_014687.4(RUBCN):c.2856A>G (p.Ser952=)

Gene: RUBCN (rubicon autophagy regulator; minus strand). Cytogenetic location: 3q29.
Variant type: single nucleotide variant.
Coding change: c.2856A>G on transcript NM_014687.4 (MANE Select); coding-DNA position 2856, A replaced by G.
Protein change: p.Ser952=; no amino-acid change (serine 952 retained).
Molecular consequence: synonymous variant.
Genome position (GRCh38, 1-based): chr3:197,675,081, T>C on the plus strand (A>G on the coding strand, the complement: RUBCN is on the minus strand). VCF-style: chr3-197675081-T-C. GRCh37 (hg19) VCF-style: chr3-197401952-T-C.
Other names: p.Ser907=; c.2721A>G, p.Ser907= (NM_001145642.5); c.2973A>G, p.Ser991= (NM_001346873.2); c.2721A>G (NM_001145642.4).
Identifiers: ClinVar variation 129379 (VCV000129379.9), dbSNP rs28562770, ClinGen allele CA153338.

ClinVar aggregate classification (germline): Benign/Likely benign. Review status: criteria provided, multiple submitters, no conflicts (2 of 4 stars). 4 submissions from 4 submitters: Benign (2); Likely benign (1). 1 of the submissions does not count toward it. Last evaluated 2024-11-26.

Allele frequency attached by ClinVar (database versions not stated): gnomAD exomes 0.11147 and 0.12081; ExAC 0.13150; gnomAD 0.22958 and 0.24029; 1000 Genomes Project 0.23602; ESP Exome Variant Server 0.23869; 1000 Genomes Project 30x 0.24844; TOPMed 0.24876.
gnomAD v4.1: 198,928 of 1,613,250 alleles (12%); highest among the groups gnomAD compares: African/African-American, 58%; 21,120 homozygotes.

Submissions (4):

Blueprint Genetics
Classification: Likely benign. Last evaluated: 2024-11-26. Review status: criteria provided, single submitter. Criteria: ACMG Guidelines, 2015. Collection method: clinical testing. Allele origin: germline.

Mayo Clinic Laboratories, Mayo Clinic
Classification: Benign. Last evaluated: 2022-03-24. Review status: criteria provided, single submitter. Criteria: ACMG Guidelines, 2015. Collection method: clinical testing. Allele origin: germline. Observed: 115 variant alleles.

Breakthrough Genomics
Classification: Benign. Review status: criteria provided, single submitter. Criteria: ACMG Guidelines, 2015. Collection method: not provided. Allele origin: germline. Inheritance: Autosomal recessive inheritance. Affected: yes.

Genetic Services Laboratory, University of Chicago
Classification: Likely benign for AllHighlyPenetrant. Review status: no assertion criteria provided. Collection method: clinical testing. Allele origin: germline. Inheritance: Autosomal recessive inheritance. Not counted in ClinVar's aggregate classification.
Comment: Likely benign based on allele frequency in 1000 Genomes Project or ESP global frequency and its presence in a patient with a rare or unrelated disease phenotype. NOT Sanger confirmed.